The following is an entry in ClinVar:

NM_000135.4(FANCA):c.1350C>G (p.Asp450Glu)

Gene: FANCA (FA complementation group A; minus strand). Cytogenetic location: 16q24.3.
Variant type: single nucleotide variant.
Coding change: c.1350C>G on transcript NM_000135.4 (MANE Select); coding-DNA position 1350, C replaced by G.
Protein change: p.Asp450Glu; replaces aspartic acid 450 with glutamic acid.
Molecular consequence: missense variant.
Genome position (GRCh38, 1-based): chr16:89,791,412, G>C on the plus strand (C>G on the coding strand, the complement: FANCA is on the minus strand). VCF-style: chr16-89791412-G-C. GRCh37 (hg19) VCF-style: chr16-89857820-G-C.
Other names: c.1350C>G, p.Asp450Glu (NM_001286167.3); short protein forms D450E.
Identifiers: ClinVar variation 4254175 (VCV004254175.1).

ClinVar aggregate classification (germline): Uncertain significance (1 of 4 stars; one submission).

Conditions:
Inborn genetic diseases. Identifiers: MedGen C0950123, MeSH D030342.

Submission:

Ambry Genetics
Classification: Uncertain significance for Inborn genetic diseases. Last evaluated: 2025-07-03. Review status: criteria provided, single submitter. Criteria: Ambry Variant Classification Scheme 2023. Collection method: clinical testing. Allele origin: germline.
Comment: The p.D450E variant (also known as c.1350C>G), located in coding exon 14 of the FANCA gene, results from a C to G substitution at nucleotide position 1350. The aspartic acid at codon 450 is replaced by glutamic acid, an amino acid with highly similar properties. This amino acid position is conserved. In addition, this alteration is predicted to be tolerated by in silico analysis. Based on the available evidence, the clinical significance of this variant remains unclear.